The following is an entry in ClinVar:

ClinVar aggregate classification (germline): Uncertain significance. Review status: criteria provided, multiple submitters, no conflicts (2 of 4 stars). 5 submissions from 5 submitters: Uncertain significance (5). Last evaluated 2026-09-18.

Conditions:
DBH-related disorder. Also called: DBH-related condition.
Inborn genetic diseases. Identifiers: MedGen C0950123, MeSH D030342.
Orthostatic hypotension 1 (ORTHYP1). Also called: Orthostatic hypotension 1, due to DBH deficiency; NORADRENALINE DEFICIENCY; NOREPINEPHRINE DEFICIENCY; Dopamine beta-hydroxylase deficiency. Identifiers: Orphanet 230, MedGen C4746777, MONDO:0009123, OMIM 223360.

Allele frequency attached by ClinVar (database versions not stated): gnomAD 0.00077 and 0.00070; TOPMed 0.00082; gnomAD exomes 0.00129 and 0.00053; 1000 Genomes Project 30x 0.00031; 1000 Genomes Project 0.00040; ExAC 0.00056; ESP Exome Variant Server 0.00062.
gnomAD v4.1: 2,007 of 1,613,044 alleles (0.12%); highest among the groups gnomAD compares: Non-Finnish European, 0.16%; 1 homozygote.

Submissions (5):

PreventionGenetics, part of Exact Sciences
Classification: Uncertain significance for DBH-related condition. Last evaluated: 2026-09-18. Review status: criteria provided, single submitter. Criteria: ACMG Guidelines, 2015. Collection method: clinical testing. Allele origin: germline.
Comment: The DBH c.490G>A variant is predicted to result in the amino acid substitution p.Gly164Ser. To our knowledge, this variant has not been reported in the literature. This variant is reported in 0.10% of alleles in individuals of European (Non-Finnish) descent in gnomAD. Although we suspect that this variant may be benign, at this time, the clinical significance of this variant is uncertain due to the absence of conclusive functional and genetic evidence.

Ambry Genetics
Classification: Uncertain significance for Inborn genetic diseases. Last evaluated: 2023-10-25. Review status: criteria provided, single submitter. Criteria: Ambry Variant Classification Scheme 2023. Collection method: clinical testing. Allele origin: germline.

Baylor Genetics
Classification: Uncertain significance for Orthostatic hypotension 1. Last evaluated: 2023-06-08. Review status: criteria provided, single submitter. Criteria: ACMG Guidelines, 2015. Collection method: clinical testing. Allele origin: unknown.

Labcorp Genetics (formerly Invitae), Labcorp
Classification: Uncertain significance for Orthostatic hypotension 1. Last evaluated: 2022-11-01. Review status: criteria provided, single submitter. Criteria: Invitae Variant Classification Sherloc (09022015). Collection method: clinical testing. Allele origin: germline.
Comment: This sequence change replaces glycine, which is neutral and non-polar, with serine, which is neutral and polar, at codon 164 of the DBH protein (p.Gly164Ser). This variant is present in population databases (rs142383279, gnomAD 0.1%), and has an allele count higher than expected for a pathogenic variant. This variant has not been reported in the literature in individuals affected with DBH-related conditions. ClinVar contains an entry for this variant (Variation ID: 529772). Advanced modeling of protein sequence and biophysical properties (such as structural, functional, and spatial information, amino acid conservation, physicochemical variation, residue mobility, and thermodynamic stability) performed at Invitae indicates that this missense variant is expected to disrupt DBH protein function. Algorithms developed to predict the effect of sequence changes on RNA splicing suggest that this variant may create or strengthen a splice site. In summary, the available evidence is currently insufficient to determine the role of this variant in disease. Therefore, it has been classified as a Variant of Uncertain Significance.

Illumina Laboratory Services, Illumina
Classification: Uncertain significance for Orthostatic hypotension 1. Last evaluated: 2017-04-27. Review status: criteria provided, single submitter. Criteria: ICSL Variant Classification Criteria 13 December 2019. Collection method: clinical testing. Allele origin: germline.

NM_000787.4(DBH):c.490G>A (p.Gly164Ser)

Gene: DBH (dopamine beta-hydroxylase; plus strand). Cytogenetic location: 9q34.2.
Variant type: single nucleotide variant.
Coding change: c.490G>A on transcript NM_000787.4 (MANE Select); coding-DNA position 490, G replaced by A.
Protein change: p.Gly164Ser; replaces glycine 164 with serine.
Molecular consequence: missense variant.
Genome position (GRCh38, 1-based): chr9:133,642,210, G>A. VCF-style: chr9-133642210-G-A. GRCh37 (hg19) VCF-style: chr9-136507332-G-A.
Other names: short protein forms G164S.
Identifiers: ClinVar variation 529772 (VCV000529772.13), dbSNP rs142383279, ClinGen allele CA5313098.